The following is an entry in ClinVar:

NM_178140.4(PDZD2):c.192C>T (p.Pro64=)

Gene: PDZD2 (PDZ domain containing 2; plus strand). Cytogenetic location: 5p13.3.
Variant type: single nucleotide variant.
Coding change: c.192C>T on transcript NM_178140.4 (MANE Select); coding-DNA position 192, C replaced by T.
Protein change: p.Pro64=; no amino-acid change (proline 64 retained).
Molecular consequence: synonymous variant.
Genome position (GRCh38, 1-based): chr5:31,799,440, C>T. VCF-style: chr5-31799440-C-T. GRCh37 (hg19) VCF-style: chr5-31799547-C-T.
Identifiers: ClinVar variation 3049244 (VCV003049244.2), dbSNP rs200048882, ClinGen allele CA3218539.

ClinVar aggregate classification (germline): Benign (0 of 4 stars; one submission).

Conditions:
PDZD2-related disorder. Also called: PDZD2-related condition.

Allele frequency attached by ClinVar (database versions not stated): 1000 Genomes Project 0.00040; 1000 Genomes Project 30x 0.00047; ExAC 0.00098.
gnomAD v4.1: 406 of 1,614,172 alleles (0.025%); highest among the groups gnomAD compares: Admixed American, 0.53%; 3 homozygotes.

Submission:

PreventionGenetics, part of Exact Sciences
Classification: Benign for PDZD2-related condition. Last evaluated: 2019-11-18. Review status: no assertion criteria provided. Collection method: clinical testing. Allele origin: germline.
Comment: This variant is classified as benign based on ACMG/AMP sequence variant interpretation guidelines (Richards et al. 2015 PMID: 25741868, with internal and published modifications).